The following is an entry in ClinVar:

ClinVar aggregate classification (germline): Likely pathogenic. Review status: criteria provided, multiple submitters, no conflicts (2 of 4 stars). 2 submissions from 2 submitters: Likely pathogenic (2). Last evaluated 2024-03-30.

Conditions:
Autosomal recessive distal renal tubular acidosis. Identifiers: Orphanet 402041, MedGen C1864498, MONDO:0018440.

Allele frequency attached by ClinVar (database versions not stated): gnomAD exomes below 0.00001; TOPMed 0.00002.
gnomAD v4.1: 6 of 1,613,744 alleles (0.00037%); highest among the groups gnomAD compares: South Asian, 0.0044%; no homozygotes.

Submissions (2):

Labcorp Genetics (formerly Invitae), Labcorp
Classification: Likely pathogenic. Last evaluated: 2024-03-30. Review status: criteria provided, single submitter. Criteria: Invitae Variant Classification Sherloc (09022015). Collection method: clinical testing. Allele origin: germline.
Comment: This sequence change replaces phenylalanine, which is neutral and non-polar, with leucine, which is neutral and non-polar, at codon 817 of the ATP6V0A4 protein (p.Phe817Leu). This variant is not present in population databases (gnomAD no frequency). This missense change has been observed in individual(s) with distal renal tubular acidosis (PMID: 34159584). In at least one individual the data is consistent with being in trans (on the opposite chromosome) from a pathogenic variant. ClinVar contains an entry for this variant (Variation ID: 802368). Advanced modeling of protein sequence and biophysical properties (such as structural, functional, and spatial information, amino acid conservation, physicochemical variation, residue mobility, and thermodynamic stability) performed at Invitae indicates that this missense variant is expected to disrupt ATP6V0A4 protein function with a positive predictive value of 80%. In summary, the currently available evidence indicates that the variant is pathogenic, but additional data are needed to prove that conclusively. Therefore, this variant has been classified as Likely Pathogenic.

Mendelics
Classification: Likely pathogenic for Renal tubular acidosis, distal, 3, with or without sensorineural hearing loss. Last evaluated: 2019-05-28. Review status: criteria provided, single submitter. Criteria: Mendelics Assertion Criteria 2017. Collection method: clinical testing. Allele origin: unknown.

Literature cited by the submitters: PubMed 34159584 (cited by Labcorp Genetics (formerly Invitae), Labcorp).

NM_020632.3(ATP6V0A4):c.2451C>A (p.Phe817Leu)

Gene: ATP6V0A4 (ATPase H+ transporting V0 subunit a4; minus strand). Cytogenetic location: 7q34.
Variant type: single nucleotide variant.
Coding change: c.2451C>A on transcript NM_020632.3 (MANE Select); coding-DNA position 2451, C replaced by A.
Protein change: p.Phe817Leu; replaces phenylalanine 817 with leucine.
Molecular consequence: missense variant.
Genome position (GRCh38, 1-based): chr7:138,706,696, G>T on the plus strand (C>A on the coding strand, the complement: ATP6V0A4 is on the minus strand). VCF-style: chr7-138706696-G-T. GRCh37 (hg19) VCF-style: chr7-138391441-G-T.
Other names: c.2451C>A, p.Phe817Leu (NM_130840.3, NM_130841.3); short protein forms F817L.
Identifiers: ClinVar variation 802368 (VCV000802368.4), dbSNP rs934266733, ClinGen allele CA167113384.